The following is an entry in ClinVar:

NM_033380.3(COL4A5):c.3955C>T (p.Arg1319Trp)

Gene: COL4A5 (collagen type IV alpha 5 chain; plus strand). Cytogenetic location: Xq22.3.
Variant type: single nucleotide variant.
Coding change: c.3955C>T on transcript NM_033380.3 (MANE Select); coding-DNA position 3955, C replaced by T.
Protein change: p.Arg1319Trp; replaces arginine 1319 with tryptophan.
Molecular consequence: missense variant.
Genome position (GRCh38, 1-based): chrX:108,680,691, C>T. VCF-style: chrX-108680691-C-T. GRCh37 (hg19) VCF-style: chrX-107923921-C-T.
Other names: c.3937C>T, p.Arg1313Trp (NM_000495.5); c.3937C>T (NM_000495.3); short protein forms R1313W, R1319W.
Identifiers: ClinVar variation 1187466 (VCV001187466.6), dbSNP rs138903372, ClinGen allele CA334054484.
Genomic context (GRCh38, chrX:108,680,691, plus strand): 5'-TCCCCTCGCTGCAATTTTTTTGTAACATTAATGATTTTATTTATTCAGGGTAATCCTGGC[C>T]GGCCGGGTCTCAATGGAATGAAAGGAGATCCTGGTCTCCCTGGTGTTCCAGGATTCCCAG-3'
Protein context (NP_203699.1, residues 1309-1329): GPPGLQGNPG[Arg1319Trp]PGLNGMKGDP

ClinVar aggregate classification (germline): Uncertain significance. Review status: criteria provided, multiple submitters, no conflicts (2 of 4 stars). 5 submissions from 5 submitters: Uncertain significance (4). 1 of the submissions does not count toward it. Last evaluated 2026-01-19.

Conditions:
Inborn genetic diseases. Identifiers: MedGen C0950123, MeSH D030342.
X-linked Alport syndrome (ATS1). Also called: COL4A5-Related Nephropathy; NEPHROPATHY AND DEAFNESS, X-LINKED. Identifiers: Orphanet 63, Orphanet 88917, MedGen C4746986, MONDO:0010520, OMIM 301050.

Allele frequency attached by ClinVar (database versions not stated): gnomAD exomes 0.00001 and 0.00004; gnomAD 0.00004 and 0.00005; TOPMed 0.00004; ESP Exome Variant Server 0.00009; 1000 Genomes Project 30x 0.00042.
gnomAD v4.1: 45 of 1,207,211 alleles (0.0037%); highest among the groups gnomAD compares: Middle Eastern, 0.023%; no homozygotes.

Submissions (5):

Women's Health and Genetics/Laboratory Corporation of America, LabCorp
Classification: Uncertain significance. Last evaluated: 2026-01-19. Review status: criteria provided, single submitter. Criteria: LabCorp Variant Classification Summary - May 2015. Collection method: clinical testing. Allele origin: germline.
Comment: Variant summary: COL4A5 c.3937C>T (p.Arg1313Trp) results in a non-conservative amino acid change in the encoded protein sequence. Algorithms developed to predict the effect of missense changes on protein structure and function all suggest that this variant is likely to be disruptive. The variant allele was found at a frequency of 3.7e-05 in 1207211 control chromosomes, including 10 hemizygotes. To our knowledge, no occurrence of c.3937C>T in individuals affected with COL4A5-related conditions and no experimental evidence demonstrating its impact on protein function have been reported. ClinVar contains an entry for this variant (Variation ID: 1187466). Based on the evidence outlined above, the variant was classified as VUS-possibly benign.

Ambry Genetics
Classification: Uncertain significance for Inborn genetic diseases. Last evaluated: 2024-12-28. Review status: criteria provided, single submitter. Criteria: Ambry Variant Classification Scheme 2023. Collection method: clinical testing. Allele origin: germline.

Fulgent Genetics
Classification: Uncertain significance for X-linked Alport syndrome. Last evaluated: 2024-01-16. Review status: criteria provided, single submitter. Criteria: ACMG Guidelines, 2015. Collection method: clinical testing. Allele origin: germline.

GeneDx
Classification: Uncertain significance. Last evaluated: 2021-01-06. Review status: criteria provided, single submitter. Criteria: GeneDx Variant Classification Process June 2021. Collection method: clinical testing. Allele origin: germline. Affected: yes.
Comment: Not observed at a significant frequency in large population cohorts (Lek et al., 2016); In silico analysis supports that this missense variant does not alter protein structure/function; Occurs in the triple helical domain at the X position in the canonical Gly-X-Y repeat; although this variant may have an effect on normal protein folding and function, missense substitution at the X position is not a common mechanism of disease; Has not been previously published as pathogenic or benign to our knowledge

Natera, Inc.
Classification: Uncertain significance for X-linked Alport syndrome. Last evaluated: 2020-01-24. Review status: no assertion criteria provided. Collection method: clinical testing. Allele origin: germline. Not counted in ClinVar's aggregate classification.